The following is an entry in ClinVar:

NM_014336.5(AIPL1):c.381C>A (p.Phe127Leu)

Gene: AIPL1 (AIP like 1 HSP90 co-chaperone; minus strand). Cytogenetic location: 17p13.2.
Variant type: single nucleotide variant.
Coding change: c.381C>A on transcript NM_014336.5 (MANE Select); coding-DNA position 381, C replaced by A.
Protein change: p.Phe127Leu; replaces phenylalanine 127 with leucine.
Molecular consequence: missense variant. On other transcripts: intron variant (1).
Genome position (GRCh38, 1-based): chr17:6,428,402, G>T on the plus strand (C>A on the coding strand, the complement: AIPL1 is on the minus strand). VCF-style: chr17-6428402-G-T. GRCh37 (hg19) VCF-style: chr17-6331722-G-T.
Other names: c.201C>A, p.Phe67Leu (NM_001033055.3); c.345C>A, p.Phe115Leu (NM_001285399.3); c.315C>A, p.Phe105Leu (NM_001285400.3); c.381C>A, p.Phe127Leu (NM_001285401.3, NM_001285403.4); c.264C>A, p.Phe88Leu (NM_001285402.2); c.277-1345C>A (NM_001033054.3); short protein forms F105L, F127L, F67L, F88L, F115L.
Identifiers: ClinVar variation 1898383 (VCV001898383.3), dbSNP rs147264906, ClinGen allele CA8328528.

ClinVar aggregate classification (germline): Uncertain significance (1 of 4 stars; one submission).

Conditions:
Leber congenital amaurosis 4 (LCA4). Identifiers: MedGen C1858386, MONDO:0011458, OMIM 604393.

Submission:

Labcorp Genetics (formerly Invitae), Labcorp
Classification: Uncertain significance for Leber congenital amaurosis 4. Last evaluated: 2023-11-27. Review status: criteria provided, single submitter. Criteria: Invitae Variant Classification Sherloc (09022015). Collection method: clinical testing. Allele origin: germline.
Comment: This sequence change replaces phenylalanine, which is neutral and non-polar, with leucine, which is neutral and non-polar, at codon 127 of the AIPL1 protein (p.Phe127Leu). The frequency data for this variant in the population databases is considered unreliable, as metrics indicate poor data quality at this position in the gnomAD database. This variant has not been reported in the literature in individuals affected with AIPL1-related conditions. ClinVar contains an entry for this variant (Variation ID: 1898383). Advanced modeling of protein sequence and biophysical properties (such as structural, functional, and spatial information, amino acid conservation, physicochemical variation, residue mobility, and thermodynamic stability) performed at Invitae indicates that this missense variant is not expected to disrupt AIPL1 protein function with a negative predictive value of 80%. In summary, the available evidence is currently insufficient to determine the role of this variant in disease. Therefore, it has been classified as a Variant of Uncertain Significance.